The following is an entry in ClinVar:

NM_001276277.3(PPIP5K2):c.2510G>A (p.Arg837His)

Gene: PPIP5K2 (diphosphoinositol pentakisphosphate kinase 2; plus strand). Cytogenetic location: 5q21.1.
Variant type: single nucleotide variant.
Coding change: c.2510G>A on transcript NM_001276277.3 (MANE Select); coding-DNA position 2510, G replaced by A.
Protein change: p.Arg837His; replaces arginine 837 with histidine.
Molecular consequence: missense variant.
Genome position (GRCh38, 1-based): chr5:103,173,953, G>A. VCF-style: chr5-103173953-G-A. GRCh37 (hg19) VCF-style: chr5-102509657-G-A.
Other names: c.2510G>A, p.Arg837His (NM_001281471.3, NM_001345871.2, NM_001345872.2 and 4 more transcripts); c.2507G>A, p.Arg836His (NM_001345873.2, NM_001345877.2, NM_001345878.2); short protein forms R837H, R836H.
Identifiers: ClinVar variation 627521 (VCV000627521.5), dbSNP rs548137246, ClinGen allele CA3360390.

ClinVar aggregate classification (germline): Conflicting classifications of pathogenicity. Review status: criteria provided, conflicting classifications (1 of 4 stars). 3 submissions from 3 submitters: Likely pathogenic (1); Uncertain significance (1). 1 of the submissions does not count toward it. Last evaluated 2025-07-02.

Conditions:
Hearing loss, autosomal recessive 100. Also called: Deafness, autosomal recessive 100. Identifiers: MedGen C5193087, MONDO:0032740, OMIM 618422.

Allele frequency attached by ClinVar (database versions not stated): ExAC 0.00014; 1000 Genomes Project 30x 0.00016; 1000 Genomes Project 0.00020; TOPMed 0.00014; gnomAD exomes 0.00015 and 0.00011; gnomAD 0.00017.
gnomAD v4.1: 184 of 1,593,222 alleles (0.012%); highest among the groups gnomAD compares: South Asian, 0.07%; 2 homozygotes.

Submissions (3):

First Genomix Gene Laboratory, Genetic Diagnostics Department
Classification: Likely pathogenic for Hearing loss, autosomal recessive 100. Last evaluated: 2025-07-02. Review status: criteria provided, single submitter. Criteria: ACMG Guidelines, 2015. Collection method: clinical testing. Allele origin: germline. Inheritance: Autosomal recessive inheritance. Affected: no. Observed: 1 variant allele.

Institute for Clinical Genetics, University Hospital TU Dresden, University Hospital TU Dresden
Classification: Uncertain significance. Last evaluated: 2021-11-03. Review status: criteria provided, single submitter. Criteria: ACMG Guidelines, 2015. Collection method: clinical testing. Allele origin: germline.

OMIM
Classification: Pathogenic for DEAFNESS, AUTOSOMAL RECESSIVE 100. Last evaluated: 2019-05-08. Review status: no assertion criteria provided. Collection method: literature only. Allele origin: germline. Not counted in ClinVar's aggregate classification.

Literature cited by the submitters: PubMed 29590114 (cited by OMIM); PubMed 15538632 (cited by OMIM).